The following is an entry in ClinVar:

ClinVar aggregate classification (germline): Uncertain significance (1 of 4 stars; one submission).

Conditions:
Congenital muscular hypertrophy-cerebral syndrome (CDLS2). Also called: Cornelia de Lange syndrome 2; SMC1A-Related Cornelia de Lange Syndrome. Identifiers: Orphanet 199, MedGen C1802395, MONDO:0010370, OMIM 300590.

Submission:

Labcorp Genetics (formerly Invitae), Labcorp
Classification: Uncertain significance for Congenital muscular hypertrophy-cerebral syndrome. Last evaluated: 2025-10-24. Review status: criteria provided, single submitter. Criteria: Invitae Variant Classification Sherloc (09022015). Collection method: clinical testing. Allele origin: germline.
Comment: This sequence change replaces tyrosine, which is neutral and polar, with phenylalanine, which is neutral and non-polar, at codon 326 of the SMC1A protein (p.Tyr326Phe). This variant is not present in population databases (gnomAD no frequency). This variant has not been reported in the literature in individuals affected with SMC1A-related conditions. ClinVar contains an entry for this variant (Variation ID: 2006281). Invitae Evidence Modeling of protein sequence and biophysical properties (such as structural, functional, and spatial information, amino acid conservation, physicochemical variation, residue mobility, and thermodynamic stability) indicates that this missense variant is not expected to disrupt SMC1A protein function with a negative predictive value of 80%. In summary, the available evidence is currently insufficient to determine the role of this variant in disease. Therefore, it has been classified as a Variant of Uncertain Significance.

NM_006306.4(SMC1A):c.977A>T (p.Tyr326Phe)

Gene: SMC1A (structural maintenance of chromosomes 1A; minus strand). Cytogenetic location: Xp11.22.
Variant type: single nucleotide variant.
Coding change: c.977A>T on transcript NM_006306.4 (MANE Select); coding-DNA position 977, A replaced by T.
Protein change: p.Tyr326Phe; replaces tyrosine 326 with phenylalanine.
Molecular consequence: missense variant.
Genome position (GRCh38, 1-based): chrX:53,412,131, T>A on the plus strand (A>T on the coding strand, the complement: SMC1A is on the minus strand). VCF-style: chrX-53412131-T-A. GRCh37 (hg19) VCF-style: chrX-53439081-T-A.
Other names: c.911A>T, p.Tyr304Phe (NM_001281463.1); short protein forms Y304F, Y326F.
Identifiers: ClinVar variation 2006281 (VCV002006281.4), dbSNP rs2520957741, ClinGen allele CA413257618.